The following is an entry in ClinVar:

NM_002225.5(IVD):c.164A>T (p.Lys55Met)

Gene: IVD (isovaleryl-CoA dehydrogenase; plus strand). Cytogenetic location: 15q15.1.
Variant type: single nucleotide variant.
Coding change: c.164A>T on transcript NM_002225.5 (MANE Select); coding-DNA position 164, A replaced by T.
Protein change: p.Lys55Met; replaces lysine 55 with methionine.
Molecular consequence: missense variant. On other transcripts: non-coding transcript variant (1), intron variant (1).
Genome position (GRCh38, 1-based): chr15:40,407,655, A>T. VCF-style: chr15-40407655-A-T. GRCh37 (hg19) VCF-style: chr15-40699856-A-T.
Other names: c.116A>T, p.Lys39Met (NM_001354597.3); c.164A>T, p.Lys55Met (NM_001354598.3, NM_001354599.3, NM_001354600.3 and 1 more transcripts); c.145-284A>T (NM_001159508.3); short protein forms K55M, K39M.
Identifiers: ClinVar variation 315797 (VCV000315797.28), dbSNP rs145999491, ClinGen allele CA7480517.

ClinVar aggregate classification (germline): Conflicting classifications of pathogenicity. Review status: criteria provided, conflicting classifications (1 of 4 stars). 8 submissions from 8 submitters: Uncertain significance (4); Likely benign (2). 2 of the submissions do not count toward it. Last evaluated 2026-02-01.

Conditions:
IVD-related disorder. Also called: IVD-related condition.
Isovaleryl-CoA dehydrogenase deficiency (IVA). Also called: ISOVALERIC ACID CoA DEHYDROGENASE DEFICIENCY; Classic Isovaleric Acidemia; Isovaleric acidemia; IVD DEFICIENCY. Identifiers: Orphanet 33, MedGen C0268575, MONDO:0009475, OMIM 243500.

Allele frequency attached by ClinVar (database versions not stated): gnomAD 0.00093; TOPMed 0.00093; ESP Exome Variant Server 0.00108; gnomAD exomes 0.00123 and 0.00155; ExAC 0.00159.
gnomAD v4.1: 2,390 of 1,614,038 alleles (0.15%); highest among the groups gnomAD compares: Non-Finnish European, 0.19%; 2 homozygotes.

Submissions (10):

Labcorp Genetics (formerly Invitae), Labcorp
Classification: Likely benign for Isovaleryl-CoA dehydrogenase deficiency. Last evaluated: 2026-02-01. Review status: criteria provided, single submitter. Criteria: Invitae Variant Classification Sherloc (09022015). Collection method: clinical testing. Allele origin: germline.

Blueprint Genetics
Classification: Uncertain significance. Last evaluated: 2024-11-22. Review status: criteria provided, single submitter. Criteria: ACMG Guidelines, 2015. Collection method: clinical testing. Allele origin: germline.

GeneDx
Classification: Uncertain significance. Last evaluated: 2024-03-24. Review status: criteria provided, single submitter. Criteria: GeneDx Variant Classification Process June 2021. Collection method: clinical testing. Allele origin: germline. Affected: yes.
Comment: Also known as p.(K26M) and p.(K55M); Has not been previously published as pathogenic or benign to our knowledge; In silico analysis supports a deleterious effect on splicing; In silico analysis supports that this missense variant has a deleterious effect on protein structure/function

Department of Pathology and Laboratory Medicine, Sinai Health System
Classification: Uncertain significance for Isovaleryl-CoA dehydrogenase deficiency. Last evaluated: 2022-01-14. Review status: criteria provided, single submitter. Criteria: ACMG Guidelines, 2015. Collection method: research. Allele origin: germline.

Centre for Mendelian Genomics, University Medical Centre Ljubljana
Classification: Uncertain significance for Isovaleryl-CoA dehydrogenase deficiency. Last evaluated: 2018-10-12. Review status: criteria provided, single submitter. Criteria: ACMG Guidelines, 2015. Collection method: clinical testing. Allele origin: unknown. Affected: yes.
Comment: This variant was classified as: Uncertain significance. The available evidence favors the benign nature of this variant, however the evidence is insufficent to prove its benign nature. The following ACMG criteria were applied in classifying this variant: PP4.

Illumina Laboratory Services, Illumina
Classification: Likely benign for Isovaleryl-CoA dehydrogenase deficiency. Last evaluated: 2018-01-13. Review status: criteria provided, single submitter. Criteria: ICSL Variant Classification Criteria 13 December 2019. Collection method: clinical testing. Allele origin: germline.
Comment: This variant was observed in the ICSL laboratory as part of a predisposition screen in an ostensibly healthy population. It had not been previously curated by ICSL or reported in the Human Gene Mutation Database (HGMD: prior to June 1st, 2018), and was therefore a candidate for classification through an automated scoring system. Utilizing variant allele frequency, disease prevalence and penetrance estimates, and inheritance mode, an automated score was calculated to assess if this variant is too frequent to cause the disease. Based on the score and internal cut-off values, a variant classified as likely benign is not then subjected to further curation. The score for this variant resulted in a classification of likely benign for this disease.

PreventionGenetics, part of Exact Sciences
Classification: Likely benign for IVD-related condition. Last evaluated: 2022-04-15. Review status: no assertion criteria provided. Collection method: clinical testing. Allele origin: germline. Not counted in ClinVar's aggregate classification.
Comment: This variant is classified as likely benign based on ACMG/AMP sequence variant interpretation guidelines (Richards et al. 2015 PMID: 25741868, with internal and published modifications).

Natera, Inc.
Classification: Uncertain significance for Isovaleryl-coa dehydrogenase deficiency. Last evaluated: 2017-05-27. Review status: no assertion criteria provided. Collection method: clinical testing. Allele origin: germline. Not counted in ClinVar's aggregate classification.

Dr. Peter K. Rogan Lab, Western University
No classification provided (evidence only). Condition: Acute myeloid leukemia. Review status: no classification provided. Collection method: in vitro. Allele origin: not applicable. Functional consequence: retained intron. Not counted in ClinVar's aggregate classification.

Dr. Peter K. Rogan Lab, Western University
No classification provided (evidence only). Condition: Uterine corpus endometrial carcinoma. Review status: no classification provided. Collection method: in vitro. Allele origin: not applicable. Functional consequence: cryptic splice site. Not counted in ClinVar's aggregate classification.